The following is an entry in ClinVar:

ClinVar aggregate classification (germline): Uncertain significance (1 of 4 stars; one submission).

Submission:

Women's Health and Genetics/Laboratory Corporation of America, LabCorp
Classification: Uncertain significance. Last evaluated: 2024-12-18. Review status: criteria provided, single submitter. Criteria: LabCorp Variant Classification Summary - May 2015. Collection method: clinical testing. Allele origin: germline.
Comment: Variant summary: PTS c.240G>T (p.Met80Ile) results in a conservative amino acid change in the encoded protein sequence. Three of five in-silico tools predict a benign effect of the variant on protein function. The variant was absent in 251406 control chromosomes (gnomAD). c.240G>T has been reported in the literature in at least one individual affected with 6-Pyruvoyl-Tetrahydropterin Synthase Deficiency (Manzoni_2020, Manti_2020, Rovelli_2022). These data do not allow any conclusion about variant significance. A different variant affecting the same codon has been classified as pathogenic by our lab (c.238A>G, (p.Met80Val)), supporting the critical relevance of codon 80 to PTS protein function. To our knowledge, no experimental evidence demonstrating an impact on protein function has been reported. The following publications have been ascertained in the context of this evaluation (PMID: 33234470, 32651154, 36537053). No submitters have cited clinical-significance assessments for this variant to ClinVar. Based on the evidence outlined above, the variant was classified as VUS-possibly pathogenic.

Literature cited by the submitters: PubMed 32651154; PubMed 33234470; PubMed 36537053.

NM_000317.3(PTS):c.240G>T (p.Met80Ile)

Gene: PTS (6-pyruvoyltetrahydropterin synthase; plus strand). Cytogenetic location: 11q23.1.
Variant type: single nucleotide variant.
Coding change: c.240G>T on transcript NM_000317.3 (MANE Select); coding-DNA position 240, G replaced by T.
Protein change: p.Met80Ile; replaces methionine 80 with isoleucine.
Molecular consequence: missense variant.
Genome position (GRCh38, 1-based): chr11:112,230,679, G>T. VCF-style: chr11-112230679-G-T. GRCh37 (hg19) VCF-style: chr11-112101402-G-T.
Other names: short protein forms M80I.
Identifiers: ClinVar variation 3768533 (VCV003768533.1).